The following is an entry in ClinVar:

ClinVar aggregate classification (germline): Likely pathogenic (1 of 4 stars; one submission).

Submission:

GeneDx
Classification: Likely pathogenic. Last evaluated: 2023-10-24. Review status: criteria provided, single submitter. Criteria: GeneDx Variant Classification Process June 2021. Collection method: clinical testing. Allele origin: germline. Affected: yes.
Comment: Not observed at significant frequency in large population cohorts (gnomAD); Missense variants in this gene are often considered pathogenic (HGMD); In silico analysis supports that this missense variant has a deleterious effect on protein structure/function; Has not been previously published as pathogenic or benign to our knowledge; This variant is associated with the following publications: (PMID: 26029160)

NM_001330260.2(SCN8A):c.4465T>C (p.Tyr1489His)

Gene: SCN8A (sodium voltage-gated channel alpha subunit 8; plus strand). Cytogenetic location: 12q13.13.
Variant type: single nucleotide variant.
Coding change: c.4465T>C on transcript NM_001330260.2 (MANE Select); coding-DNA position 4465, T replaced by C.
Protein change: p.Tyr1489His; replaces tyrosine 1489 with histidine.
Molecular consequence: missense variant.
Genome position (GRCh38, 1-based): chr12:51,790,443, T>C. VCF-style: chr12-51790443-T-C. GRCh37 (hg19) VCF-style: chr12-52184227-T-C.
Other names: c.4342T>C, p.Tyr1448His (NM_001177984.3, NM_001369788.1); c.4465T>C, p.Tyr1489His (NM_014191.4); short protein forms Y1448H, Y1489H.
Identifiers: ClinVar variation 2663291 (VCV002663291.1), dbSNP rs2540309047, ClinGen allele CA384909106.
Genomic context (GRCh38, chr12:51,790,443, plus strand): 5'-TCTTCCCTCCTTTACTTCGGAGGTCAGGACATCTTCATGACCGAAGAACAGAAGAAGTAC[T>C]ACAATGCCATGAAAAAGCTGGGCTCAAAGAAGCCACAGAAACCTATTCCCCGCCCCTTGG-3'
Protein context (NP_001317189.1, residues 1479-1499): IFMTEEQKKY[Tyr1489His]NAMKKLGSKK